The following is an entry in ClinVar:

NM_001368397.1(FRMPD4):c.3566G>A (p.Arg1189His)

Gene: FRMPD4 (FERM and PDZ domain containing 4; plus strand). Cytogenetic location: Xp22.2.
Variant type: single nucleotide variant.
Coding change: c.3566G>A on transcript NM_001368397.1 (MANE Select); coding-DNA position 3566, G replaced by A.
Protein change: p.Arg1189His; replaces arginine 1189 with histidine.
Molecular consequence: missense variant.
Genome position (GRCh38, 1-based): chrX:12,718,392, G>A. VCF-style: chrX-12718392-G-A. GRCh37 (hg19) VCF-style: chrX-12736511-G-A.
Other names: c.3677G>A, p.Arg1226His (NM_001368395.3, NM_001368398.3); c.3572G>A, p.Arg1191His (NM_001368396.3); c.3557G>A, p.Arg1186His (NM_001368399.3); c.3446G>A, p.Arg1149His (NM_001368400.3); c.3542G>A, p.Arg1181His (NM_001368401.1, NM_001368402.3); c.3566G>A, p.Arg1189His (NM_014728.3); short protein forms R1149H, R1181H, R1189H, R1191H, R1226H, R1186H.
Identifiers: ClinVar variation 732092 (VCV000732092.32), dbSNP rs751628514, ClinGen allele CA10349627.

ClinVar aggregate classification (germline): Benign/Likely benign. Review status: criteria provided, multiple submitters, no conflicts (2 of 4 stars). 2 submissions from 2 submitters: Benign (1); Likely benign (1). Last evaluated 2022-12-01.

Allele frequency attached by ClinVar (database versions not stated): ExAC 0.00006; TOPMed 0.00006; gnomAD 0.00007 and 0.00008; gnomAD exomes 0.00008 and 0.00022.
gnomAD v4.1: 254 of 1,210,037 alleles (0.021%); highest among the groups gnomAD compares: Non-Finnish European, 0.026%; no homozygotes.

Submissions (2):

CeGaT Center for Human Genetics Tuebingen
Classification: Likely benign. Last evaluated: 2022-12-01. Review status: criteria provided, single submitter. Criteria: CeGaT Center For Human Genetics Tuebingen Variant Classification Criteria Version 2. Collection method: clinical testing. Allele origin: germline. Affected: yes. Observed: 2 variant alleles.
Comment: FRMPD4: BP4, BS2

Labcorp Genetics (formerly Invitae), Labcorp
Classification: Benign. Last evaluated: 2018-06-29. Review status: criteria provided, single submitter. Criteria: Invitae Variant Classification Sherloc (09022015). Collection method: clinical testing. Allele origin: germline.